The following is an entry in ClinVar:

NM_001184.4(ATR):c.6656C>G (p.Thr2219Arg)

Gene: ATR (ATR serine/threonine kinase; minus strand). Cytogenetic location: 3q23.
Variant type: single nucleotide variant.
Coding change: c.6656C>G on transcript NM_001184.4 (MANE Select); coding-DNA position 6656, C replaced by G.
Protein change: p.Thr2219Arg; replaces threonine 2219 with arginine.
Molecular consequence: missense variant.
Genome position (GRCh38, 1-based): chr3:142,467,965, G>C on the plus strand (C>G on the coding strand, the complement: ATR is on the minus strand). VCF-style: chr3-142467965-G-C. GRCh37 (hg19) VCF-style: chr3-142186807-G-C.
Other names: c.6464C>G, p.Thr2155Arg (NM_001354579.2); short protein forms T2155R, T2219R.
Identifiers: ClinVar variation 3462420 (VCV003462420.1).

ClinVar aggregate classification (germline): Uncertain significance (1 of 4 stars; one submission).

Conditions:
Inborn genetic diseases. Identifiers: MedGen C0950123, MeSH D030342.

Submission:

Ambry Genetics
Classification: Uncertain significance for Inborn genetic diseases. Last evaluated: 2024-07-07. Review status: criteria provided, single submitter. Criteria: Ambry Variant Classification Scheme 2023. Collection method: clinical testing. Allele origin: germline.
Comment: The p.T2219R variant (also known as c.6656C>G), located in coding exon 39 of the ATR gene, results from a C to G substitution at nucleotide position 6656. The threonine at codon 2219 is replaced by arginine, an amino acid with similar properties. This amino acid position is conserved. In addition, the in silico prediction for this alteration is inconclusive. Based on the available evidence, the clinical significance of this variant remains unclear.